The following is an entry in ClinVar:

NM_000443.4(ABCB4):c.3458dup (p.His1154fs)

Gene: ABCB4 (ATP binding cassette subfamily B member 4; minus strand). Cytogenetic location: 7q21.12.
Variant type: Duplication.
Coding change: c.3458dup on transcript NM_000443.4 (MANE Select); coding-DNA position 3458, one base duplicated (T; older notation c.3458dupT).
Protein change: p.His1154fs; shifts the reading frame from histidine 1154.
Molecular consequence: frameshift variant.
Genome position (GRCh38, 1-based): chr7:87,406,316, A duplicated on the plus strand (T on the coding strand, the reverse complement: ABCB4 is on the minus strand). VCF-style (leftmost placement, unchanged base first): chr7-87406315-T-TA. GRCh37 (hg19) VCF-style: chr7-87035631-T-TA.
Other names: c.3479dup, p.His1161fs (NM_018849.3); c.3317dup, p.His1107fs (NM_018850.3); short protein forms H1107fs, H1154fs, H1161fs.
Identifiers: ClinVar variation 4999200 (VCV004999200.1).

ClinVar aggregate classification (germline): Likely pathogenic (1 of 4 stars; one submission).

Conditions:
ABCB4-related disorder. Also called: ABCB4-related disorders; ABCB4-related condition.

Submission:

PreventionGenetics, part of Exact Sciences
Classification: Likely pathogenic for ABCB4-related condition. Last evaluated: 2025-03-24. Review status: criteria provided, single submitter. Criteria: ACMG Guidelines, 2015. Collection method: clinical testing. Allele origin: germline.
Comment: The ABCB4 c.3458dupT variant is predicted to result in a frameshift and premature protein termination (p.His1154Thrfs*12). To our knowledge, this variant has not been reported in the literature or in a large population database (gnomAD), indicating this variant is rare. Frameshift variants in ABCB4 are expected to be pathogenic. This variant is interpreted as likely pathogenic.